The following is an entry in ClinVar:

ClinVar aggregate classification (germline): Pathogenic. Review status: criteria provided, multiple submitters, no conflicts (2 of 4 stars). 15 submissions from 15 submitters: Pathogenic (12). 3 of the submissions do not count toward it. Last evaluated 2025-05-22.

Conditions:
SGCE-related disorder. Also called: SGCE-related condition.
Inborn genetic diseases. Identifiers: MedGen C0950123, MeSH D030342.
Myoclonic dystonia 11 (DYT11). Also called: Dystonia, alcohol responsive; Hereditary essential myoclonus; DYT-SGCE; SGCE Myoclonus-Dystonia; Myoclonus-Dystonia; Myoclonic dystonia. Identifiers: Orphanet 36899, MedGen C1834570, MONDO:0008044, OMIM 159900.

Allele frequency attached by ClinVar (database versions not stated): ExAC 0.00001.
gnomAD v4.1: 4 of 1,611,366 alleles (0.00025%); highest among the groups gnomAD compares: Non-Finnish European, 0.00025%; no homozygotes.

Submissions (15):

Labcorp Genetics (formerly Invitae), Labcorp
Classification: Pathogenic for Myoclonic dystonia 11. Last evaluated: 2025-05-22. Review status: criteria provided, single submitter. Criteria: Invitae Variant Classification Sherloc (09022015). Collection method: clinical testing. Allele origin: germline.
Comment: This sequence change creates a premature translational stop signal (p.Arg97*) in the SGCE gene. It is expected to result in an absent or disrupted protein product. Loss-of-function variants in SGCE are known to be pathogenic (PMID: 12821748, 15389977, 17853490, 24297365). The frequency data for this variant in the population databases is considered unreliable, as metrics indicate poor data quality at this position in the gnomAD database. This premature translational stop signal has been observed in individuals with myoclonus-dystonia (PMID: 11528394, 15389977, 15728306, 17296918, 18205193). It has also been observed to segregate with disease in related individuals. ClinVar contains an entry for this variant (Variation ID: 5768). For these reasons, this variant has been classified as Pathogenic.

GeneDx
Classification: Pathogenic. Last evaluated: 2024-11-23. Review status: criteria provided, single submitter. Criteria: GeneDx Variant Classification Process June 2021. Collection method: clinical testing. Allele origin: germline. Affected: yes.
Comment: Nonsense variant predicted to result in protein truncation or nonsense mediated decay in a gene for which loss of function is a known mechanism of disease; Not observed at significant frequency in large population cohorts (gnomAD); This variant is associated with the following publications: (PMID: 18175340, 27363292, 17702043, 19117362, 23332219, 19261534, 25525159, 11528394, 18355305, 18205193, 15728306, 15389977, 33098801, 35925398, 35872528, 35041927, 9750929, 17296918, 23748201)

3billion
Classification: Pathogenic for Myoclonic dystonia 11. Last evaluated: 2024-08-30. Review status: criteria provided, single submitter. Criteria: ACMG Guidelines, 2015. Collection method: clinical testing. Allele origin: germline. Affected: yes.
Comment: The variant is observed at an extremely low frequency in the gnomAD v4.0.0 dataset (total allele frequency: <0.001%). Predicted Consequence/Location: Stop-gained (nonsense): predicted to result in a loss or disruption of normal protein function through nonsense-mediated decay (NMD) or protein truncation. Multiple pathogenic variants are reported downstream of the variant. The variant has been reported at least twice as pathogenic with clinical assertions and evidence for the classification (ClinVar ID: VCV000005768 /PMID: 11528394). Therefore, this variant is classified as Pathogenic according to the recommendation of ACMG/AMP guideline.

Institute of Human Genetics Munich, TUM University Hospital
Classification: Pathogenic for Myoclonic dystonia 11. Last evaluated: 2024-07-26. Review status: criteria provided, single submitter. Criteria: Classification criteria August 2017. Collection method: clinical testing. Allele origin: germline. Inheritance: Autosomal dominant inheritance. Affected: yes. Observed: 1 variant allele.

Blueprint Genetics
Classification: Pathogenic for SGCE-related disorders. Last evaluated: 2023-03-23. Review status: criteria provided, single submitter. Criteria: ACMG Guidelines, 2015. Collection method: clinical testing. Allele origin: germline. Affected: yes. Observed: 1 variant allele.

Dasa
Classification: Pathogenic for Myoclonic dystonia 11. Last evaluated: 2022-03-05. Review status: criteria provided, single submitter. Criteria: ACMG Guidelines, 2015. Collection method: clinical testing. Allele origin: germline. Affected: yes. Observed: 1 variant allele.
Comment: The c.289C>T;p.(Arg97*) variant creates a premature translational stop signal in the SGCE gene. It is expected to result in an absent or disrupted protein product - PVS1. This sequence change has been observed in affected individual(s) and ClinVar contains an entry for this variant (ClinVar ID: 5768; PMID: 11528394; PMID: 15389977; PMID: 17296918; PMID: 18205193; PMID: 15728306)PS4. The variant is present at low allele frequencies population databases (rs121908489 – gnomAD 0.00004001%; ABraOM no frequency) - PM2_supporting. The variant co-segregated with disease in multiple affected family members (PMID: 11528394) - PP1. In summary, the currently available evidence indicates that the variant is pathogenic

MGZ Medical Genetics Center
Classification: Pathogenic for Myoclonic dystonia 11. Last evaluated: 2022-01-28. Review status: criteria provided, single submitter. Criteria: ACMG Guidelines, 2015. Collection method: clinical testing. Allele origin: germline. Affected: yes. Observed: 1 variant allele.
Comment: ACMG criteria applied: PVS1, PS4_MOD, PM2_SUP

Illumina Laboratory Services, Illumina
Classification: Pathogenic for Myoclonic dystonia 11. Last evaluated: 2020-11-20. Review status: criteria provided, single submitter. Criteria: ICSLVariantClassificationCriteria RUGD 01 April 2020. Collection method: clinical testing. Allele origin: unknown.
Comment: The SGCE c.289C>T (p.Arg97Ter) variant is a stop-gained variant that is predicted to result in a premature truncation of the protein. Across a selection of the available literature, the p.Arg97Ter variant has been identified in at least four individuals with a myoclonus-dystonia phenotype (Zimprich et al. 2001; O'Riordan et al. 2004; Valente et al. 2005; GrÃ¼newald et al. 2008). In addition, this variant segregated with the phenotype in three individuals from a large multigenerational family (Zimprich et al. 2001). This variant is found at a frequency of 0.000009 in the European (non-Finnish) population of the Genome Aggregation Database, though this is based on one allele in a region of good sequencing coverage, so the variant is presumed to be rare. Based on the collective evidence and the application of the ACMG criteria, the p.Arg97Ter variant is classified as pathogenic for myoclonus-dystonia.

CeGaT Center for Human Genetics Tuebingen
Classification: Pathogenic. Last evaluated: 2020-11-01. Review status: criteria provided, single submitter. Criteria: CeGaT Center For Human Genetics Tuebingen Variant Classification Criteria Version 2. Collection method: clinical testing. Allele origin: germline. Affected: yes. Observed: 2 variant alleles.

Athena Diagnostics
Classification: Pathogenic. Last evaluated: 2018-08-06. Review status: criteria provided, single submitter. Criteria: Athena Diagnostics Criteria. Collection method: clinical testing. Allele origin: germline.

Ambry Genetics
Classification: Pathogenic for Inborn genetic diseases. Last evaluated: 2018-04-24. Review status: criteria provided, single submitter. Criteria: Ambry exome assertion method (8-5-2015). Collection method: clinical testing. Allele origin: germline. Affected: yes. Observed: 1 variant allele.

Genetic Services Laboratory, University of Chicago
Classification: Pathogenic for Dystonia-11, myoclonic. Last evaluated: 2016-11-17. Review status: criteria provided, single submitter. Criteria: ACMG Guidelines, 2015. Collection method: clinical testing. Allele origin: germline. Affected: yes.

Clinical Genetics Laboratory, University Hospital Schleswig-Holstein
Classification: Pathogenic for Myoclonic dystonia 11. Last evaluated: 2024-09-04. Review status: no assertion criteria provided. Collection method: clinical testing. Allele origin: paternal. Affected: yes. Not counted in ClinVar's aggregate classification.

PreventionGenetics, part of Exact Sciences
Classification: Pathogenic for SGCE-related condition. Last evaluated: 2024-08-08. Review status: no assertion criteria provided. Collection method: clinical testing. Allele origin: germline. Not counted in ClinVar's aggregate classification.
Comment: The SGCE c.289C>T variant is predicted to result in premature protein termination (p.Arg97*). This variant has been reported in multiple unrelated individuals with myoclonus dystonia (Zimprich et al 2001. PubMed ID: 11528394; Zech et al 2020. PubMed ID: 33098801; Wu et al 2022. PubMed ID: 35041927). This variant is reported in 0.00089% of alleles in individuals of European (Non-Finnish) descent in gnomAD. Nonsense variants in SGCE are expected to be pathogenic. This variant is interpreted as pathogenic.

OMIM
Classification: Pathogenic for DYSTONIA 11, MYOCLONIC. Last evaluated: 2005-02-22. Review status: no assertion criteria provided. Collection method: literature only. Allele origin: germline. Not counted in ClinVar's aggregate classification.

Literature cited by the submitters: PubMed 12821748 (cited by Labcorp Genetics (formerly Invitae), Labcorp); PubMed 15389977 (cited by 5 submitters); PubMed 17853490 (cited by Labcorp Genetics (formerly Invitae), Labcorp); PubMed 24297365 (cited by Labcorp Genetics (formerly Invitae), Labcorp); PubMed 11528394 (cited by 7 submitters); PubMed 15728306 (cited by 4 submitters); PubMed 17296918 (cited by Labcorp Genetics (formerly Invitae), Labcorp and Dasa); PubMed 18205193 (cited by 3 submitters); PubMed 23748201 (cited by Athena Diagnostics and Ambry Genetics); PubMed 9750929 (cited by Ambry Genetics).

NM_003919.3(SGCE):c.289C>T (p.Arg97Ter)

Genes: CASD1 (CAS1 domain sialic acid O acetyltransferase 1; plus strand), SGCE (sarcoglycan epsilon; minus strand). Cytogenetic location: 7q21.3.
Variant type: single nucleotide variant.
Coding change: c.289C>T on transcript NM_003919.3 (MANE Select); coding-DNA position 289, C replaced by T.
Protein change: p.Arg97Ter; replaces arginine 97 with a stop codon.
Molecular consequence: nonsense.
Genome position (GRCh38, 1-based): chr7:94,628,303, G>A on the plus strand (C>T on the coding strand, the complement: SGCE is on the minus strand). VCF-style: chr7-94628303-G-A. GRCh37 (hg19) VCF-style: chr7-94257615-G-A.
Other names: c.289C>T, p.Arg97Ter (NM_001099400.2, NM_001099401.2, NM_001346717.2); c.166C>T, p.Arg56Ter (NM_001301139.2, NM_001362809.2); c.397C>T, p.Arg133Ter (NM_001346713.2, NM_001346715.2); c.202C>T, p.Arg68Ter (NM_001346719.2, NM_001362807.2); c.16C>T, p.Arg6Ter (NM_001346720.2, NM_001362808.2); short protein forms R97*, R68*, R56*, R6*, R133*.
Identifiers: ClinVar variation 5768 (VCV000005768.75), dbSNP rs121908489, ClinGen allele CA253597.